The following is an entry in ClinVar:

NM_020461.4(TUBGCP6):c.4289G>A (p.Arg1430Gln)

Gene: TUBGCP6 (tubulin gamma complex component 6; minus strand). Cytogenetic location: 22q13.33.
Variant type: single nucleotide variant.
Coding change: c.4289G>A on transcript NM_020461.4 (MANE Select); coding-DNA position 4289, G replaced by A.
Protein change: p.Arg1430Gln; replaces arginine 1430 with glutamine.
Molecular consequence: missense variant.
Genome position (GRCh38, 1-based): chr22:50,219,670, C>T on the plus strand (G>A on the coding strand, the complement: TUBGCP6 is on the minus strand). VCF-style: chr22-50219670-C-T. GRCh37 (hg19) VCF-style: chr22-50658099-C-T.
Other names: short protein forms R1430Q.
Identifiers: ClinVar variation 1516588 (VCV001516588.6), dbSNP rs200758224, ClinGen allele CA10307597.
Genomic context (GRCh38, chr22:50,219,670, plus strand): 5'-AGGGCTCCCTGCCAACAGCAACTGCTGCACTCACACATGGACTCGTAACTGTCCGGGTAC[C>T]GCTCCAAGTGGTACTGCCCTGCCAGGCCTGCCAGGTAGGCCTGCTCCCCACCCTGAGCCT-3'
Protein context (NP_065194.3, residues 1420-1440): AGLAGQYHLE[Arg1430Gln]YPDSYESMSE

ClinVar aggregate classification (germline): Uncertain significance. Review status: criteria provided, multiple submitters, no conflicts (2 of 4 stars). 2 submissions from 2 submitters: Uncertain significance (2). Last evaluated 2025-11-03.

Allele frequency attached by ClinVar (database versions not stated): ExAC 0.00003; gnomAD exomes 0.00003; 1000 Genomes Project 30x 0.00016; 1000 Genomes Project 0.00020.
gnomAD v4.1: 35 of 1,613,720 alleles (0.0022%); highest among the groups gnomAD compares: East Asian, 0.025%; no homozygotes.

Submissions (2):

Labcorp Genetics (formerly Invitae), Labcorp
Classification: Uncertain significance. Last evaluated: 2025-11-03. Review status: criteria provided, single submitter. Criteria: Invitae Variant Classification Sherloc (09022015). Collection method: clinical testing. Allele origin: germline.
Comment: This sequence change replaces arginine, which is basic and polar, with glutamine, which is neutral and polar, at codon 1430 of the TUBGCP6 protein (p.Arg1430Gln). This variant is present in population databases (rs200758224, gnomAD 0.01%). This variant has not been reported in the literature in individuals affected with TUBGCP6-related conditions. ClinVar contains an entry for this variant (Variation ID: 1516588). An algorithm developed to predict the effect of missense changes on protein structure and function outputs the following: PolyPhen-2: "Benign". The glutamine amino acid residue is found in multiple mammalian species, which suggests that this missense change does not adversely affect protein function. In summary, the available evidence is currently insufficient to determine the role of this variant in disease. Therefore, it has been classified as a Variant of Uncertain Significance.

Breakthrough Genomics
Classification: Uncertain significance. Review status: criteria provided, single submitter. Criteria: ACMG Guidelines, 2015. Collection method: not provided. Allele origin: germline. Inheritance: Autosomal dominant inheritance. Affected: yes.